The following is an entry in ClinVar:

NM_005476.7(GNE):c.1974T>A (p.His658Gln)

Gene: GNE (glucosamine (UDP-N-acetyl)-2-epimerase/N-acetylmannosamine kinase; minus strand). Cytogenetic location: 9p13.3.
Variant type: single nucleotide variant.
Coding change: c.1974T>A on transcript NM_005476.7 (MANE Select); coding-DNA position 1974, T replaced by A.
Protein change: p.His658Gln; replaces histidine 658 with glutamine.
Molecular consequence: missense variant.
Genome position (GRCh38, 1-based): chr9:36,217,560, A>T on the plus strand (T>A on the coding strand, the complement: GNE is on the minus strand). VCF-style: chr9-36217560-A-T. GRCh37 (hg19) VCF-style: chr9-36217557-A-T.
Other names: c.2067T>A, p.His689Gln (NM_001128227.3); c.1752T>A, p.His584Gln (NM_001190383.3); c.1644T>A, p.His548Gln (NM_001190384.3); c.1797T>A, p.His599Gln (NM_001190388.2, NM_001374798.1); c.1821T>A, p.His607Gln (NM_001374797.1); short protein forms H599Q, H548Q, H607Q, H658Q, H689Q, H584Q.
Identifiers: ClinVar variation 4794088 (VCV004794088.1).
Genomic context (GRCh38, chr9:36,217,560, plus strand): 5'-AATGTGGATATAGTGACTGGCCAGGACTCCGGAGAGGATCACAAGGGAGGGATTCATGGT[A>T]TGGAGGATGTTCACAACCCCAAGACCCAAAGCTGTTCCAGCTATAGGGAGACAAAAATTA-3'
Protein context (NP_005467.1, residues 648-668): ALGLGVVNIL[His658Gln]TMNPSLVILS

ClinVar aggregate classification (germline): Uncertain significance (1 of 4 stars; one submission).

Conditions:
Sialuria. Also called: SIALURIA, FRENCH TYPE; Sialic Acid Storage Disease. Identifiers: Orphanet 3166, MedGen C0342853, MONDO:0010028, OMIM 269921.
GNE myopathy (NM). Also called: NONAKA DISTAL MYOPATHY; INCLUSION BODY MYOPATHY, HEREDITARY, AUTOSOMAL RECESSIVE; INCLUSION BODY MYOPATHY 2, AUTOSOMAL RECESSIVE; MYOPATHY, DISTAL, WITH OR WITHOUT RIMMED VACUOLES; Inclusion body myopathy autosomal recessive; Inclusion body myopathy quadriceps sparing. Identifiers: Orphanet 602, MedGen C1853926, MONDO:0011603, OMIM 605820.

gnomAD v4.1: 3 of 1,613,974 alleles (0.00019%); highest among the groups gnomAD compares: Non-Finnish European, 0.00025%; no homozygotes.

Submission:

Labcorp Genetics (formerly Invitae), Labcorp
Classification: Uncertain significance for Sialuria; GNE myopathy. Last evaluated: 2025-06-29. Review status: criteria provided, single submitter. Criteria: Invitae Variant Classification Sherloc (09022015). Collection method: clinical testing. Allele origin: germline.
Comment: This sequence change replaces histidine, which is basic and polar, with glutamine, which is neutral and polar, at codon 689 of the GNE protein (p.His689Gln). This variant is present in population databases (no rsID available, gnomAD 0.0009%). This variant has not been reported in the literature in individuals affected with GNE-related conditions. Invitae Evidence Modeling of protein sequence and biophysical properties (such as structural, functional, and spatial information, amino acid conservation, physicochemical variation, residue mobility, and thermodynamic stability) has been performed for this missense variant. However, the output from this modeling did not meet the statistical confidence thresholds required to predict the impact of this variant on GNE protein function. In summary, the available evidence is currently insufficient to determine the role of this variant in disease. Therefore, it has been classified as a Variant of Uncertain Significance.